The following is an entry in ClinVar:

NM_006424.3(SLC34A2):c.1901A>G (p.Asp634Gly)

Gene: SLC34A2 (solute carrier family 34 member 2; plus strand). Cytogenetic location: 4p15.2.
Variant type: single nucleotide variant.
Coding change: c.1901A>G on transcript NM_006424.3 (MANE Select); coding-DNA position 1901, A replaced by G.
Protein change: p.Asp634Gly; replaces aspartic acid 634 with glycine.
Molecular consequence: missense variant.
Genome position (GRCh38, 1-based): chr4:25,676,577, A>G. VCF-style: chr4-25676577-A-G. GRCh37 (hg19) VCF-style: chr4-25678199-A-G.
Other names: c.1898A>G, p.Asp633Gly (NM_001177998.2, NM_001177999.2); short protein forms D634G, D633G.
Identifiers: ClinVar variation 403456 (VCV000403456.20), dbSNP rs6448389, ClinGen allele CA2879976.

ClinVar aggregate classification (germline): Benign. Review status: criteria provided, multiple submitters, no conflicts (2 of 4 stars). 7 submissions from 7 submitters: Benign (5). 2 of the submissions do not count toward it. Last evaluated 2026-02-03.

Conditions:
PULMONARY ALVEOLAR MICROLITHIASIS. Identifiers: Orphanet 60025, MedGen C0155912, MONDO:0009928, OMIM 265100.

Allele frequency attached by ClinVar (database versions not stated): gnomAD exomes 0.84488 and 0.86192; ExAC 0.86426; ESP Exome Variant Server 0.87598; TOPMed 0.88374; gnomAD 0.88388 and 0.88574; 1000 Genomes Project 30x 0.91068; 1000 Genomes Project 0.91074.
gnomAD v4.1: 1,368,874 of 1,613,476 alleles (85%); highest among the groups gnomAD compares: East Asian, 100%; 582,539 homozygotes.

Submissions (7):

Labcorp Genetics (formerly Invitae), Labcorp
Classification: Benign. Last evaluated: 2026-02-03. Review status: criteria provided, single submitter. Criteria: Invitae Variant Classification Sherloc (09022015). Collection method: clinical testing. Allele origin: germline.

Blueprint Genetics
Classification: Benign. Last evaluated: 2024-11-26. Review status: criteria provided, single submitter. Criteria: ACMG Guidelines, 2015. Collection method: clinical testing. Allele origin: germline.

Genome-Nilou Lab
Classification: Benign for PULMONARY ALVEOLAR MICROLITHIASIS. Last evaluated: 2021-07-15. Review status: criteria provided, single submitter. Criteria: ACMG Guidelines, 2015. Collection method: clinical testing. Allele origin: germline. Affected: no.

Laboratory for Molecular Medicine, Mass General Brigham Personalized Medicine
Classification: Benign. Last evaluated: 2016-03-29. Review status: criteria provided, single submitter. Criteria: LMM Criteria. Collection method: clinical testing. Allele origin: germline.
Comment: Variant identified in a genome or exome case(s) and assessed due to predicted null impact of the variant or pathogenic assertions in the literature or databases. Disclaimer: This variant has not undergone full assessment. The following are preliminary notes: Frequency

Breakthrough Genomics
Classification: Benign. Review status: criteria provided, single submitter. Criteria: ACMG Guidelines, 2015. Collection method: not provided. Allele origin: germline. Inheritance: Autosomal recessive inheritance. Affected: yes.

Clinical Genetics DNA and cytogenetics Diagnostics Lab, Erasmus MC, Erasmus Medical Center
Classification: Benign. Review status: no assertion criteria provided. Collection method: clinical testing. Allele origin: germline. Affected: yes. Study: VKGL Data-share Consensus. Not counted in ClinVar's aggregate classification.

Diagnostic Laboratory, Department of Genetics, University Medical Center Groningen
Classification: Benign. Review status: no assertion criteria provided. Collection method: clinical testing. Allele origin: germline. Affected: yes. Study: VKGL Data-share Consensus. Not counted in ClinVar's aggregate classification.